The following is an entry in ClinVar:

ClinVar aggregate classification (germline): Likely benign (1 of 4 stars; one submission).

Allele frequency attached by ClinVar (database versions not stated): 1000 Genomes Project 30x 0.00156; 1000 Genomes Project 0.00160; TOPMed 0.00245; ExAC 0.00400; gnomAD 0.00452.

Submissions (6):

CeGaT Center for Human Genetics Tuebingen
Classification: Likely benign. Last evaluated: 2026-03-01. Review status: criteria provided, single submitter. Criteria: CeGaT Center For Human Genetics Tuebingen Variant Classification Criteria Version 2. Collection method: clinical testing. Allele origin: germline. Affected: yes. Observed: 11 variant alleles.
Comment: KCNAB2: BP4, BS2

Dr. Peter K. Rogan Lab, Western University
No classification provided (evidence only). Condition: Uterine corpus endometrial carcinoma. Review status: no classification provided. Collection method: in vitro. Allele origin: not applicable. Functional consequence: retained intron. Not counted in ClinVar's aggregate classification.

Dr. Peter K. Rogan Lab, Western University
No classification provided (evidence only). Condition: Uterine corpus endometrial carcinoma. Review status: no classification provided. Collection method: in vitro. Allele origin: not applicable. Functional consequence: retained intron. Not counted in ClinVar's aggregate classification.

Dr. Peter K. Rogan Lab, Western University
No classification provided (evidence only). Condition: Cervical cancer. Review status: no classification provided. Collection method: in vitro. Allele origin: not applicable. Functional consequence: skipped exon, retained intron. Not counted in ClinVar's aggregate classification.

Dr. Peter K. Rogan Lab, Western University
No classification provided (evidence only). Condition: Thymoma. Review status: no classification provided. Collection method: in vitro. Allele origin: not applicable. Functional consequence: retained intron. Not counted in ClinVar's aggregate classification.

Dr. Peter K. Rogan Lab, Western University
No classification provided (evidence only). Condition: Malignant tumor of esophagus. Review status: no classification provided. Collection method: in vitro. Allele origin: not applicable. Functional consequence: skipped exon. Not counted in ClinVar's aggregate classification.

NM_001199862.2(KCNAB2):c.125C>T (p.Ala42Val)

Gene: KCNAB2 (potassium voltage-gated channel subfamily A regulatory beta subunit 2; plus strand). Cytogenetic location: 1p36.31.
Variant type: single nucleotide variant.
Coding change: c.125C>T on transcript NM_001199862.2 (MANE Select); coding-DNA position 125, C replaced by T.
Protein change: p.Ala42Val; replaces alanine 42 with valine.
Molecular consequence: missense variant. On other transcripts: intron variant (5).
Genome position (GRCh38, 1-based): chr1:6,051,661, C>T. VCF-style: chr1-6051661-C-T. GRCh37 (hg19) VCF-style: chr1-6111721-C-T.
Other names: NC_000001.10:g.6111721C>T; c.119+9789C>T (NM_001199861.2, NM_003636.4, NM_001199860.2); c.77+11016C>T (NM_172130.3); c.-83+5478C>T (NM_001199863.2); short protein forms A42V.
Identifiers: ClinVar variation 1711204 (VCV001711204.31), dbSNP rs202153711, ClinGen allele CA555074.